The following is an entry in ClinVar:

NM_173660.5(DOK7):c.292T>A (p.Cys98Ser)

Gene: DOK7 (docking protein 7; plus strand). Cytogenetic location: 4p16.3.
Variant type: single nucleotide variant.
Coding change: c.292T>A on transcript NM_173660.5 (MANE Select); coding-DNA position 292, T replaced by A.
Protein change: p.Cys98Ser; replaces cysteine 98 with serine.
Molecular consequence: missense variant. On other transcripts: intron variant (1).
Genome position (GRCh38, 1-based): chr4:3,473,597, T>A. VCF-style: chr4-3473597-T-A. GRCh37 (hg19) VCF-style: chr4-3475324-T-A.
Other names: c.292T>A, p.Cys98Ser (NM_001164673.2, NM_001301071.2); c.100+10046T>A (NM_001363811.2); short protein forms C98S.
Identifiers: ClinVar variation 955503 (VCV000955503.10), dbSNP rs1726898976, ClinGen allele CA356113680.

ClinVar aggregate classification (germline): Uncertain significance (1 of 4 stars; one submission).

Conditions:
Congenital myasthenic syndrome 10. Also called: Myasthenia, limb-girdle, familial. Identifiers: Orphanet 590, MedGen C1850792, MONDO:0009690, OMIM 254300.
Fetal akinesia deformation sequence 1 (FADS1). Also called: Fetal akinesia sequence; Pena-Shokeir syndrome type I. Identifiers: Orphanet 994, MedGen C1276035, MONDO:0100101, OMIM 208150, HP:0001989.

Submission:

Labcorp Genetics (formerly Invitae), Labcorp
Classification: Uncertain significance for Congenital myasthenic syndrome 10; Fetal akinesia deformation sequence 1. Last evaluated: 2024-10-18. Review status: criteria provided, single submitter. Criteria: Invitae Variant Classification Sherloc (09022015). Collection method: clinical testing. Allele origin: germline.
Comment: This sequence change replaces cysteine, which is neutral and slightly polar, with serine, which is neutral and polar, at codon 98 of the DOK7 protein (p.Cys98Ser). This variant is not present in population databases (gnomAD no frequency). This variant has not been reported in the literature in individuals affected with DOK7-related conditions. ClinVar contains an entry for this variant (Variation ID: 955503). Invitae Evidence Modeling of protein sequence and biophysical properties (such as structural, functional, and spatial information, amino acid conservation, physicochemical variation, residue mobility, and thermodynamic stability) indicates that this missense variant is not expected to disrupt DOK7 protein function with a negative predictive value of 80%. In summary, the available evidence is currently insufficient to determine the role of this variant in disease. Therefore, it has been classified as a Variant of Uncertain Significance.